The following is an entry in ClinVar:

ClinVar aggregate classification (germline): Benign. Review status: criteria provided, multiple submitters, no conflicts (2 of 4 stars). 2 submissions from 2 submitters: Benign (2). Last evaluated 2018-01-13.

Conditions:
Primary hypomagnesemia (HOMG3). Also called: HYPOMAGNESEMIA 3, RENAL; HYPOMAGNESEMIA, FAMILIAL, WITH HYPERCALCIURIA AND NEPHROCALCINOSIS; HYPOMAGNESEMIA, ISOLATED RENAL; HYPOMAGNESEMIA, PRIMARY, DUE TO DEFECT IN RENAL TUBULAR TRANSPORT OF MAGNESIUM. Identifiers: Orphanet 31043, MedGen C0268448, MONDO:0009550, OMIM 248250.

Allele frequency attached by ClinVar (database versions not stated): 1000 Genomes Project 0.79613; 1000 Genomes Project 30x 0.80153; TOPMed 0.83535; gnomAD 0.83807 and 0.84514.

Submissions (2):

Illumina Laboratory Services, Illumina
Classification: Benign for Primary hypomagnesemia. Last evaluated: 2018-01-13. Review status: criteria provided, single submitter. Criteria: ICSL Variant Classification Criteria 13 December 2019. Collection method: clinical testing. Allele origin: germline.
Comment: This variant was observed in the ICSL laboratory as part of a predisposition screen in an ostensibly healthy population. It had not been previously curated by ICSL or reported in the Human Gene Mutation Database (HGMD: prior to June 1st, 2018), and was therefore a candidate for classification through an automated scoring system. Utilizing variant allele frequency, disease prevalence and penetrance estimates, and inheritance mode, an automated score was calculated to assess if this variant is too frequent to cause the disease. Based on the score and internal cut-off values, a variant classified as benign is not then subjected to further curation. The score for this variant resulted in a classification of benign for this disease.

Breakthrough Genomics
Classification: Benign. Review status: criteria provided, single submitter. Criteria: ACMG Guidelines, 2015. Collection method: not provided. Allele origin: germline. Inheritance: Autosomal recessive inheritance. Affected: yes.

NM_006580.4(CLDN16):c.*1763T>A

Gene: CLDN16 (claudin 16; plus strand). Cytogenetic location: 3q28.
Variant type: single nucleotide variant.
Coding change: c.*1763T>A on transcript NM_006580.4 (MANE Select); 1763 bases downstream of the stop codon, T replaced by A.
Molecular consequence: 3 prime UTR variant.
Genome position (GRCh38, 1-based): chr3:190,411,799, T>A. VCF-style: chr3-190411799-T-A. GRCh37 (hg19) VCF-style: chr3-190129588-T-A.
Other names: c.*1763T>A (NM_001378492.1, NM_001378493.1).
Identifiers: ClinVar variation 344474 (VCV000344474.6), dbSNP rs9844654, ClinGen allele CA10617885.